The following is an entry in ClinVar:

ClinVar aggregate classification (germline): Uncertain significance (1 of 4 stars; one submission).

Conditions:
Autosomal recessive distal spinal muscular atrophy 1. Also called: HMN VI; Spinal muscular atrophy with respiratory distress 1; NEURONOPATHY, DISTAL HEREDITARY MOTOR, HARDING TYPE VI; NEUROPATHY, DISTAL HEREDITARY MOTOR, AUTOSOMAL RECESSIVE 1; NEURONOPATHY, SEVERE INFANTILE AXONAL, WITH RESPIRATORY FAILURE; SEVERE INFANTILE AXONAL NEUROPATHY WITH RESPIRATORY FAILURE. Identifiers: Orphanet 98920, MedGen C1858517, MONDO:0011436, OMIM 604320.
Charcot-Marie-Tooth disease axonal type 2S. Also called: CHARCOT-MARIE-TOOTH NEUROPATHY, TYPE 2S; CHARCOT-MARIE-TOOTH DISEASE, AXONAL, AUTOSOMAL RECESSIVE, TYPE 2S. Identifiers: Orphanet 443073, MedGen C4015349, MONDO:0014511, OMIM 616155.

Allele frequency attached by ClinVar (database versions not stated): TOPMed below 0.00001.

Submission:

Labcorp Genetics (formerly Invitae), Labcorp
Classification: Uncertain significance for Autosomal recessive distal spinal muscular atrophy 1; Charcot-Marie-Tooth disease axonal type 2S. Last evaluated: 2022-03-31. Review status: criteria provided, single submitter. Criteria: Invitae Variant Classification Sherloc (09022015). Collection method: clinical testing. Allele origin: germline.
Comment: In summary, the available evidence is currently insufficient to determine the role of this variant in disease. Therefore, it has been classified as a Variant of Uncertain Significance. Advanced modeling of protein sequence and biophysical properties (such as structural, functional, and spatial information, amino acid conservation, physicochemical variation, residue mobility, and thermodynamic stability) performed at Invitae indicates that this missense variant is not expected to disrupt IGHMBP2 protein function. This variant has not been reported in the literature in individuals affected with IGHMBP2-related conditions. This variant is not present in population databases (gnomAD no frequency). This sequence change replaces histidine, which is basic and polar, with asparagine, which is neutral and polar, at codon 122 of the IGHMBP2 protein (p.His122Asn).

NM_002180.3(IGHMBP2):c.364C>A (p.His122Asn)

Gene: IGHMBP2 (immunoglobulin mu DNA binding protein 2; plus strand). Cytogenetic location: 11q13.3.
Variant type: single nucleotide variant.
Coding change: c.364C>A on transcript NM_002180.3 (MANE Select); coding-DNA position 364, C replaced by A.
Protein change: p.His122Asn; replaces histidine 122 with asparagine.
Molecular consequence: missense variant.
Genome position (GRCh38, 1-based): chr11:68,908,252, C>A. VCF-style: chr11-68908252-C-A. GRCh37 (hg19) VCF-style: chr11-68675720-C-A.
Other names: short protein forms H122N.
Identifiers: ClinVar variation 2119743 (VCV002119743.4), dbSNP rs1858282116, ClinGen allele CA381643217.